The following is an entry in ClinVar:

NM_000059.4(BRCA2):c.6988A>G (p.Ile2330Val)

Gene: BRCA2 (BRCA2 DNA repair associated; plus strand). Cytogenetic location: 13q13.1.
Variant type: single nucleotide variant.
Coding change: c.6988A>G on transcript NM_000059.4 (MANE Select); coding-DNA position 6988, A replaced by G.
Protein change: p.Ile2330Val; replaces isoleucine 2330 with valine.
Molecular consequence: missense variant.
Genome position (GRCh38, 1-based): chr13:32,346,877, A>G. VCF-style: chr13-32346877-A-G. GRCh37 (hg19) VCF-style: chr13-32921014-A-G.
Other names: short protein forms I2330V.
Identifiers: ClinVar variation 234463 (VCV000234463.58), dbSNP rs876661032, ClinGen allele CA10577486.

ClinVar aggregate classification (germline): Conflicting classifications of pathogenicity. Review status: criteria provided, conflicting classifications (1 of 4 stars). 12 submissions from 12 submitters: Uncertain significance (8); Likely benign (3). 1 of the submissions does not count toward it. Last evaluated 2026-01-18.

Conditions:
Hereditary cancer-predisposing syndrome. Also called: Tumor predisposition; Hereditary Cancer Syndrome; Hereditary neoplastic syndrome; Neoplastic Syndromes, Hereditary. Identifiers: Orphanet 140162, MedGen C0027672, MeSH D009386, MONDO:0015356.
Hereditary breast ovarian cancer syndrome. Also called: Hereditary breast and ovarian cancer; Breast and ovarian cancer; BRCA1- and BRCA2-Associated Hereditary Breast and Ovarian Cancer; Hereditary breast and ovarian cancer syndrome; Hereditary breast and ovarian cancer syndrome (HBOC); Hereditary breast and/or ovarian cancer syndrome. Identifiers: Orphanet 145, MedGen C0677776, MeSH D061325, MONDO:0003582. Disease mechanism: loss of function.
Breast-ovarian cancer, familial, susceptibility to, 2 (BROVCA2). Also called: BRCA2 Hereditary Breast and Ovarian Cancer. Identifiers: Orphanet 145, MedGen C2675520, MONDO:0012933, OMIM 612555. Disease mechanism: loss of function.
Malignant tumor of breast. Also called: Malignant breast neoplasm; Cancer breast. Identifiers: MedGen C0006142, MONDO:0007254. Disease mechanism: loss of function.

Allele frequency attached by ClinVar (database versions not stated): gnomAD exomes below 0.00001; TOPMed 0.00001.
gnomAD v4.1: 2 of 1,610,140 alleles (0.00012%); highest among the groups gnomAD compares: Admixed American, 0.0017%; no homozygotes.

Submissions 1 to 8 of 12:

Labcorp Genetics (formerly Invitae), Labcorp
Classification: Uncertain significance for Hereditary breast ovarian cancer syndrome. Last evaluated: 2026-01-18. Review status: criteria provided, single submitter. Criteria: Invitae Variant Classification Sherloc (09022015). Collection method: clinical testing. Allele origin: germline.
Comment: This sequence change replaces isoleucine, which is neutral and non-polar, with valine, which is neutral and non-polar, at codon 2330 of the BRCA2 protein (p.Ile2330Val). This variant is not present in population databases (gnomAD no frequency). This missense change has been observed in individual(s) with a personal and/or family history of breast cancer and/or ovarian cancer (PMID: 27741520, 28651617, 29161300, 36329109). ClinVar contains an entry for this variant (Variation ID: 234463). Invitae Evidence Modeling of protein sequence and biophysical properties (such as structural, functional, and spatial information, amino acid conservation, physicochemical variation, residue mobility, and thermodynamic stability) indicates that this missense variant is not expected to disrupt BRCA2 protein function with a negative predictive value of 95%. In summary, the available evidence is currently insufficient to determine the role of this variant in disease. Therefore, it has been classified as a Variant of Uncertain Significance.

Women's Health and Genetics/Laboratory Corporation of America, LabCorp
Classification: Uncertain significance. Last evaluated: 2025-10-09. Review status: criteria provided, single submitter. Criteria: LabCorp Variant Classification Summary - May 2015. Collection method: clinical testing. Allele origin: germline.
Comment: Variant summary: BRCA2 c.6988A>G (p.Ile2330Val) results in a conservative amino acid change in the encoded protein sequence. Algorithms developed to predict the effect of missense changes on protein structure and function all suggest that this variant is likely to be tolerated. The variant was absent in 249986 control chromosomes. The available data on variant occurrences in the general population are insufficient to allow any conclusion about variant significance. c.6988A>G has been observed in individual(s) with a personal or family history of prostate cancer, or breast and/or ovarian cancer (e.g. Fernandes_2016, Alemar_2017, Buzolin_2017, Paulo_2018, Coelho_2024, Pereira_2022, Ren_2021). These report(s) do not provide unequivocal conclusions about association of the variant with Hereditary Breast And Ovarian Cancer Syndrome. To our knowledge, no experimental evidence demonstrating an impact on protein function has been reported. The following publications have been ascertained in the context of this evaluation (PMID: 29161300, 28651617, 38311546, 27741520, 29659569, 35980532, 34196900). ClinVar contains an entry for this variant (Variation ID: 234463). Based on the evidence outlined above, the variant was classified as uncertain significance.

Myriad Genetics, Inc.
Classification: Likely benign for Breast-ovarian cancer, familial, susceptibility to, 2. Last evaluated: 2025-06-30. Review status: criteria provided, single submitter. Criteria: Myriad Autosomal Dominant, Autosomal Recessive and X-Linked Classification Criteria (2023). Collection method: clinical testing. Allele origin: unknown.
Comment: This variant is considered likely benign. This variant is strongly associated with less severe personal and family histories of cancer, typical for individuals without pathogenic variants in this gene [PMID: 25085752].

Molecular Diagnostics Laboratory, Catalan Institute of Oncology
Classification: Likely benign for Hereditary cancer-predisposing syndrome. Last evaluated: 2025-06-01. Review status: criteria provided, single submitter. Criteria: ClinGen BRCA1BRCA2 ACMG Specifications BRCA2 V1.0.0. Collection method: clinical testing. Allele origin: germline.
Comment: BP1_Strong, PM2_Supporting c.6988A>G, located in exon 13 of the BRCA2 gene, is predicted to result in the substitution of isoleucine by valine at codon 2330, p.(Ile2330Val). This position is outside a (potentially) clinically important functional domain and, moreover, the SpliceAI algorithm predicts no significant impact on splicing (BP1_strong). It is not present in the population database gnomAD v2.1.1, non cancer dataset (PM2_Supporting). To our knowledge, neither relevant clinical data nor well-stablished functional studies have been reported for this variant. In addition, it was also identified in the following databases: BRCA Exchange (Not Yet Reviewed), ClinVar (1x likely benign, 9x uncertain significance) and LOVD (1x likely benign, 2x uncertain significance). Based on the currently available information, c.6988A>G is classified as a likely benign variant according to ClinGen-BRCA2 Guidelines version v1.0.0.

Color Diagnostics, LLC DBA Color Health
Classification: Uncertain significance for Hereditary cancer-predisposing syndrome. Last evaluated: 2024-08-14. Review status: criteria provided, single submitter. Criteria: ACMG Guidelines, 2015. Collection method: clinical testing. Allele origin: germline.
Comment: This missense variant replaces isoleucine with valine at codon 2330 of the BRCA2 protein. Computational prediction suggests that this variant may not impact protein structure and function. To our knowledge, functional studies have not been reported for this variant. This variant has been reported in individuals and family affected with breast and/or ovarian cancer (PMID: 27741520, 29161300, 33471991; Leiden Open Variation Database DB-ID BRCA2_001102, 35264596, 35980532, 36329109, 36977404) or prostate cancer (PMID: 29659569). This variant has not been identified in the general population by the Genome Aggregation Database (gnomAD). The available evidence is insufficient to determine the role of this variant in disease conclusively. Therefore, this variant is classified as a Variant of Uncertain Significance.

Quest Diagnostics Nichols Institute San Juan Capistrano
Classification: Uncertain significance. Last evaluated: 2024-07-31. Review status: criteria provided, single submitter. Criteria: Quest Diagnostics criteria. Collection method: clinical testing. Allele origin: unknown.
Comment: The BRCA2 c.6988A>G (p.Ile2330Val) variant has been reported in the published literature in in individuals with breast and/or ovarian cancer (PMIDs: 35264596 (2022), 36329109 (2022), 34196900 (2021), 33471991 (2021), 28651617 (2017), 27741520 (2016), see also LOVD) and prostate cancer (PMID: 29659569 (2018)). This variant has also been identified in reportedly healthy individuals (PMID: 34196900 (2021), see also LOVD). This variant has not been reported in large, multi-ethnic general populations (Genome Aggregation Database). Analysis of this variant using bioinformatics tools for the prediction of the effect of amino acid changes on protein structure and function yielded predictions that this variant is benign. Based on the available information, we are unable to determine the clinical significance of this variant.

All of Us Research Program, National Institutes of Health
Classification: Uncertain significance for Breast-ovarian cancer, familial, susceptibility to, 2. Last evaluated: 2023-12-13. Review status: criteria provided, single submitter. Criteria: ACMG Guidelines, 2015. Collection method: clinical testing. Allele origin: germline. Inheritance: Autosomal dominant inheritance. Observed: 2 variant alleles, 2 heterozygotes.
Comment: This missense variant replaces isoleucine with valine at codon 2330 of the BRCA2 protein. Computational prediction suggests that this variant may not impact protein structure and function (internally defined REVEL score threshold <= 0.5, PMID: 27666373). To our knowledge, functional studies have not been reported for this variant. This variant has been reported in individuals with a personal or family history of breast and/or ovarian cancer or prostate cancer (PMID: 27741520, 29161300, 29659569, 33471991; Leiden Open Variation Database DB-ID BRCA2_001102, 35264596, 35980532, 36329109, 36977404). This variant has not been identified in the general population by the Genome Aggregation Database (gnomAD). The available evidence is insufficient to determine the role of this variant in disease conclusively. Therefore, this variant is classified as a Variant of Uncertain Significance.

This study involves interpretation of variants in research participants for the purpose of population health screening. Participant phenotype was not available at the time of variant classification. Additional details can be found in publication PMID: 35346344, PMCID: PMC8962531

GeneDx
Classification: Uncertain significance. Last evaluated: 2023-07-28. Review status: criteria provided, single submitter. Criteria: GeneDx Variant Classification Process June 2021. Collection method: clinical testing. Allele origin: germline. Affected: yes.
Comment: Not observed at significant frequency in large population cohorts (gnomAD); In silico analysis supports that this missense variant does not alter protein structure/function; Observed in individuals with breast or prostate cancer (Fernandes et al., 2016; Paulo et al., 2018; Ren et al., 2021; Guindalini et al., 2022; Matta et al., 2022); Also known as 7216A>G; This variant is associated with the following publications: (PMID: 29161300, 28651617, 27741520, 29659569, 33007869, 29884841, 32377563, 36977404, 36329109, 34196900, 35264596)